The following is an entry in ClinVar:

NM_001297.5(CNGB1):c.2492+2T>G

Gene: CNGB1 (cyclic nucleotide gated channel subunit beta 1; minus strand). Cytogenetic location: 16q21.
Variant type: single nucleotide variant.
Coding change: c.2492+2T>G on transcript NM_001297.5 (MANE Select); the canonical splice donor site of the intron after coding-DNA position 2492, T replaced by G.
Molecular consequence: splice donor variant.
Genome position (GRCh38, 1-based): chr16:57,911,751, A>C on the plus strand (T>G on the coding strand, the complement: CNGB1 is on the minus strand). VCF-style: chr16-57911751-A-C. GRCh37 (hg19) VCF-style: chr16-57945655-A-C.
Other names: c.2474+2T>G (NM_001286130.2).
Identifiers: ClinVar variation 1421601 (VCV001421601.6), dbSNP rs2149362043, ClinGen allele CA396060964.

ClinVar aggregate classification (germline): Pathogenic (1 of 4 stars; one submission).

Submission:

Labcorp Genetics (formerly Invitae), Labcorp
Classification: Pathogenic. Last evaluated: 2022-10-17. Review status: criteria provided, single submitter. Criteria: Invitae Variant Classification Sherloc (09022015). Collection method: clinical testing. Allele origin: germline.
Comment: ClinVar contains an entry for this variant (Variation ID: 1421601). For these reasons, this variant has been classified as Pathogenic. Algorithms developed to predict the effect of sequence changes on RNA splicing suggest that this variant may disrupt the consensus splice site. Disruption of this splice site has been observed in individual(s) with retinitis pigmentosa and/or rod-cone dystrophy (PMID: 29800053, 33847019). In at least one individual the data is consistent with being in trans (on the opposite chromosome) from a pathogenic variant. This variant is not present in population databases (gnomAD no frequency). This sequence change affects a donor splice site in intron 25 of the CNGB1 gene. It is expected to disrupt RNA splicing. Variants that disrupt the donor or acceptor splice site typically lead to a loss of protein function (PMID: 16199547), and loss-of-function variants in CNGB1 are known to be pathogenic (PMID: 15557452, 24043777).

Literature cited by the submitters: PubMed 29800053; PubMed 33847019; PubMed 16199547; PubMed 15557452; PubMed 24043777.